The following is an entry in ClinVar:

ClinVar aggregate classification (germline): Uncertain significance (1 of 4 stars; one submission).

gnomAD v4.1: 1 of 1,543,810 alleles (0.000065%); highest among the groups gnomAD compares: Non-Finnish European, 0.00009%; no homozygotes.

Submission:

Labcorp Genetics (formerly Invitae), Labcorp
Classification: Uncertain significance. Last evaluated: 2022-11-26. Review status: criteria provided, single submitter. Criteria: Invitae Variant Classification Sherloc (09022015). Collection method: clinical testing. Allele origin: germline.
Comment: This sequence change creates a premature translational stop signal (p.Gln126*) in the GMNN gene. It is expected to result in an absent or disrupted protein product. However, the current clinical and genetic evidence is not sufficient to establish whether loss-of-function variants in GMNN cause disease. This variant is not present in population databases (gnomAD no frequency). This variant has not been reported in the literature in individuals affected with GMNN-related conditions. Experimental studies and prediction algorithms are not available or were not evaluated, and the functional significance of this variant is currently unknown. In summary, the available evidence is currently insufficient to determine the role of this variant in disease. Therefore, it has been classified as a Variant of Uncertain Significance.

NM_015895.5(GMNN):c.376C>T (p.Gln126Ter)

Gene: GMNN (geminin DNA replication inhibitor; plus strand). Cytogenetic location: 6p22.3.
Variant type: single nucleotide variant.
Coding change: c.376C>T on transcript NM_015895.5 (MANE Select); coding-DNA position 376, C replaced by T.
Protein change: p.Gln126Ter; replaces glutamine 126 with a stop codon.
Molecular consequence: nonsense.
Genome position (GRCh38, 1-based): chr6:24,784,462, C>T. VCF-style: chr6-24784462-C-T. GRCh37 (hg19) VCF-style: chr6-24784690-C-T.
Other names: c.376C>T, p.Gln126Ter (NM_001251989.2, NM_001251990.2, NM_001251991.1); short protein forms Q126*.
Identifiers: ClinVar variation 2816893 (VCV002816893.3), dbSNP rs2532443608, ClinGen allele CA362991400.